The following is an entry in ClinVar:

NM_004415.4(DSP):c.939+1G>A

Gene: DSP (desmoplakin; plus strand). Cytogenetic location: 6p24.3.
Variant type: single nucleotide variant.
Coding change: c.939+1G>A on transcript NM_004415.4 (MANE Select); the canonical splice donor site of the intron after coding-DNA position 939, G replaced by A.
Molecular consequence: splice donor variant.
Genome position (GRCh38, 1-based): chr6:7,565,521, G>A. VCF-style: chr6-7565521-G-A. GRCh37 (hg19) VCF-style: chr6-7565754-G-A.
Other names: IVS7, G-A, +1; c.939+1G>A (NM_001319034.2, NM_001008844.3, NM_001406591.1).
Identifiers: ClinVar variation 178282 (VCV000178282.37), dbSNP rs727504443, ClinGen allele CA007878.

ClinVar aggregate classification (germline): Pathogenic/Likely pathogenic. Review status: criteria provided, multiple submitters, no conflicts (2 of 4 stars). 15 submissions from 14 submitters: Pathogenic (9); Likely pathogenic (2). 4 of the submissions do not count toward it. Last evaluated 2026-01-14.

Conditions:
DSP-related disorder. Also called: DSP-related condition; DSP-related disorders.
Cardiovascular phenotype. Identifiers: MedGen CN230736.
Cardiomyopathy (CMYO). Also called: Cardiomyopathies. Identifiers: Orphanet 167848, MedGen C0878544, MONDO:0004994, HP:0001638. Inheritance: Various modes of inheritance.
Arrhythmogenic cardiomyopathy with wooly hair and keratoderma. Also called: Dilated cardiomyopathy with woolly hair and keratoderma; Arrhythmogenic cardiomyopathy with woolly hair and keratoderma; PALMOPLANTAR KERATODERMA WITH LEFT VENTRICULAR CARDIOMYOPATHY AND WOOLLY HAIR; Carvajal syndrome. Identifiers: Orphanet 65282, MedGen C1854063, MONDO:0011581, OMIM 605676.
Arrhythmogenic right ventricular dysplasia 8 (ARVD8). Also called: Arrhythmogenic Right Ventricular Dysplasia/Cardiomyopathy 8; ARRHYTHMOGENIC RIGHT VENTRICULAR CARDIOMYOPATHY 8; ARRHYTHMOGENIC RIGHT VENTRICULAR DYSPLASIA, FAMILIAL, 8. Identifiers: MedGen C1843896, MONDO:0011831, OMIM 607450.
Arrhythmogenic right ventricular cardiomyopathy (ARVD). Also called: Arrhythmogenic Right Ventricular Cardiomyopathy (ARVC); Cardiomyopathy, ARVC; Arrhythmogenic right ventricular dysplasia; Arrhythmogenic cardiomyopathy. Identifiers: Orphanet 247, MedGen C0349788, MeSH D019571, MONDO:0016587. Disease mechanism: loss of function. Inheritance: Various modes of inheritance.
Primary dilated cardiomyopathy (DCM). Also called: Dilated Cardiomyopathy. Identifiers: Orphanet 217604, MedGen C0007193, MeSH D002311, MONDO:0005021, HP:0001644. Inheritance: Various modes of inheritance.
Keratosis palmoplantaris striata 2. Also called: KERATODERMA, PALMOPLANTAR, STRIATE FORM II; STRIATE PALMOPLANTAR KERATODERMA II; Keratosis palmoplantaris striata II. Identifiers: MedGen C1852127, MONDO:0013034, OMIM 612908.

Allele frequency attached by ClinVar (database versions not stated): gnomAD 0.00001; gnomAD exomes 0.00001.
gnomAD v4.1: 8 of 1,613,744 alleles (0.0005%); highest among the groups gnomAD compares: African/African-American, 0.0027%; no homozygotes.

Submissions 1 to 4 of 15:

Labcorp Genetics (formerly Invitae), Labcorp
Classification: Pathogenic for Arrhythmogenic cardiomyopathy with wooly hair and keratoderma; Arrhythmogenic right ventricular dysplasia 8. Last evaluated: 2026-01-14. Review status: criteria provided, single submitter. Criteria: Invitae Variant Classification Sherloc (09022015). Collection method: clinical testing. Allele origin: germline.
Comment: This sequence change affects a donor splice site in intron 7 of the DSP gene. RNA analysis indicates that disruption of this splice site induces altered splicing and may result in an absent or altered protein product. This variant is present in population databases (rs727504443, gnomAD 0.01%). Disruption of this splice site has been observed in individual(s) with arrhythmogenic right ventricular dysplasia, dilated cardiomyopathy, left dominant arrhythmogenic cardiomyopathy, and/or palmoplantar keratoderma (PMID: 10594734, 19095136, 20864495, 24503780). ClinVar contains an entry for this variant (Variation ID: 178282). Studies have shown that disruption of this splice site results in the retention of intron 7, and produces a non-functional protein and/or introduces a premature termination codon (PMID: 10594734). For these reasons, this variant has been classified as Pathogenic.

Victorian Clinical Genetics Services, Murdoch Childrens Research Institute
Classification: Pathogenic for Arrhythmogenic right ventricular dysplasia 8. Last evaluated: 2024-10-09. Review status: criteria provided, single submitter. Criteria: ACMG Guidelines, 2015. Collection method: clinical testing. Allele origin: germline. Inheritance: Autosomal dominant inheritance. Affected: yes.
Comment: Based on the classification scheme VCGS_Germline_v1.3.4, this variant is classified as Pathogenic. Following criteria are met: 0102 - Loss of function is a known mechanism of disease in this gene and is associated with arrhythmogenic right ventricular dysplasia 8 (MIM#607450) and other DSP-related cardiac disorders. (I) 0108 - This gene is associated with both recessive and dominant disease. Variants in this gene are usually inherited in a dominant manner, however rare reports of recessive inheritance have resulted in a more severe cardiac phenotype (OMIM). (I) 0112 - The condition associated with this gene has incomplete penetrance. In families with cardiomyopathies, reduced penetrance has been reported among family members aged 60-86 years (PMID: 36580316). (I) 0115 - Variants in this gene are known to have variable expressivity. Age-dependent penetrance and variable expressivity are well-described aspects of arrhythmogenic cardiomyopathy (PMID: 29062697). (I) 0210 - Splice site variant proven to affect splicing of the transcript with a known effect on protein sequence. Nested PCR of patient cDNA described the inclusion of intron 7 and a new stop codon twenty-five amino acids downstream. This new protein product would be predicted to undergo nonsense-mediated decay; however the relevant data was not shown by the authors and this information was interpreted with caution (PMID: 10594734). (SP) 0251 - This variant is heterozygous. (I) 0304 - Variant is present in gnomAD (v2) <0.01 (1 heterozygote, 0 homozygotes). (SP) 0703 - Other splice site variants comparable to the one identified in this case has moderate previous evidence for pathogenicity. Two variants (c.939+1G>T, c.939+2T>C) at this canonical splice site have been reported once each as pathogenic (ClinVar). (SP) 0801 - This variant has strong previous evidence of pathogenicity in unrelated individuals. This variant has been reported seven times as pathogenic and once as likely pathogenic (ClinVar). It has also been reported in an individual with arrhythmogenic right ventricular cardiomyopathy (PMID: 20864495), an individual with left-dominant arrhythmogenic cardiomyopathy (PMID: 19095136) and in a family with striate palmoplantar keratoderma with no mention of cardiac status (PMID: 10594734). (SP) 1208 - Inheritance information for this variant is not currently available in this individual. (I) Legend: (SP) - Supporting pathogenic, (I) - Information, (SB) - Supporting benign

All of Us Research Program, National Institutes of Health
Classification: Pathogenic for Arrhythmogenic cardiomyopathy with wooly hair and keratoderma. Last evaluated: 2024-06-27. Review status: criteria provided, single submitter. Criteria: ACMG Guidelines, 2015. Collection method: clinical testing. Allele origin: germline. Inheritance: Autosomal dominant inheritance. Observed: 2 variant alleles, 2 heterozygotes.
Comment: This variant causes a G to A nucleotide substitution at the +1 position of intron 7 of the DSP gene. A functional RNA study with a skin biopsy from a patient has shown that this variant causes the retention of intron 7, resulting in premature termination codon 25 amino acids downstream from the splice site. Only low levels of the mutant transcript were detected, indicating the variant leads to transcript degradation via nonsense-mediated mRNA decay (PMID: 10594734). This variant has been reported in an individual affected with striate palmoplantar keratoderma, and has been observed to segregate with disease in two relatives from the family (PMID: 10594734). This individual was later reported to be also affected with left-dominant arrhythmogenic cardiomyopathy (PMID: 19095136). This variant has been identified in 1/31370 chromosomes in the general population by the Genome Aggregation Database (gnomAD). Loss of DSP function is a known mechanism of disease. Based on the available evidence, this variant is classified as Pathogenic.

This study involves interpretation of variants in research participants for the purpose of population health screening. Participant phenotype was not available at the time of variant classification. Additional details can be found in publication PMID: 35346344, PMCID: PMC8962531

Color Diagnostics, LLC DBA Color Health
Classification: Pathogenic for Cardiomyopathy. Last evaluated: 2024-04-22. Review status: criteria provided, single submitter. Criteria: ACMG Guidelines, 2015. Collection method: clinical testing. Allele origin: germline.
Comment: This variant causes a G to A nucleotide substitution at the +1 position of intron 7 of the DSP gene. A functional RNA study with a skin biopsy from a patient has shown that this variant causes the retention of intron 7, resulting in premature termination codon 25 amino acids downstream from the splice site. Only low levels of the mutant transcript were detected, indicating the variant leads to transcript degradation via nonsense-mediated mRNA decay (PMID: 10594734). This variant has been reported in an individual affected with striate palmoplantar keratoderma, and has been observed to segregate with disease in two relatives from the family (PMID: 10594734). This individual was later reported to be also affected with left-dominant arrhythmogenic cardiomyopathy (PMID: 19095136). This variant has been identified in 1/31370 chromosomes in the general population by the Genome Aggregation Database (gnomAD). Loss of DSP function is a known mechanism of disease. Based on the available evidence, this variant is classified as Pathogenic.